The following is an entry in ClinVar:

ClinVar aggregate classification (germline): Conflicting classifications of pathogenicity. Review status: criteria provided, conflicting classifications (1 of 4 stars). 8 submissions from 8 submitters: Uncertain significance (2); Benign (1); Likely benign (2). 3 of the submissions do not count toward it. Last evaluated 2026-02-01.

Conditions:
SPINK5-related disorder. Also called: SPINK5-related condition.
Ichthyosis linearis circumflexa. Identifiers: MedGen C0265962, MONDO:0043106, HP:0025810.
Netherton syndrome (NETH). Also called: NETHERTON DISEASE; ERYTHRODERMA, ICHTHYOSIFORM, WITH HYPOTRICHOSIS AND HYPER-IgE; COMEL-NETHERTON SYNDROME. Identifiers: Orphanet 634, MedGen C5574950, MONDO:0009735, OMIM 256500.

Allele frequency attached by ClinVar (database versions not stated): 1000 Genomes Project 30x 0.00078; 1000 Genomes Project 0.00080; TOPMed 0.00106; ESP Exome Variant Server 0.00110; ExAC 0.00125; gnomAD exomes 0.00125 and 0.00226; gnomAD 0.00131 and 0.00132.
gnomAD v4.1: 3,428 of 1,613,808 alleles (0.21%); highest among the groups gnomAD compares: Non-Finnish European, 0.26%; 9 homozygotes.

Submissions (8):

Labcorp Genetics (formerly Invitae), Labcorp
Classification: Benign for Ichthyosis linearis circumflexa. Last evaluated: 2026-02-01. Review status: criteria provided, single submitter. Criteria: Invitae Variant Classification Sherloc (09022015). Collection method: clinical testing. Allele origin: germline.

CeGaT Center for Human Genetics Tuebingen
Classification: Likely benign. Last evaluated: 2025-11-01. Review status: criteria provided, single submitter. Criteria: CeGaT Center For Human Genetics Tuebingen Variant Classification Criteria Version 2. Collection method: clinical testing. Allele origin: germline. Affected: yes. Observed: 2 variant alleles.
Comment: SPINK5: BP4, BS2

Blueprint Genetics
Classification: Likely benign. Last evaluated: 2024-11-15. Review status: criteria provided, single submitter. Criteria: ACMG Guidelines, 2015. Collection method: clinical testing. Allele origin: germline.

Center for Genomics, Ann and Robert H. Lurie Children's Hospital of Chicago
Classification: Uncertain significance for Netherton syndrome. Last evaluated: 2022-11-09. Review status: criteria provided, single submitter. Criteria: ACMG Guidelines, 2015. Collection method: clinical testing. Allele origin: germline.
Comment: This variant has not been reported in the literature but is present in the Genome Aggregation Database (Highest reported MAF 0.2% [163/68030] including 1 homozygote). This variant is present in ClinVar (Variation ID: 784576). This variant amino acid Lysine (Lys) is present in several species including multiple mammals and is not well conserved among evolutionarily distant species; this suggests that this variant may not impact the protein. Additional computational prediction tools do not suggest an impact. In summary, data on this variant is insufficient for disease classification. Therefore, the clinical significance of this variant is uncertain.

Illumina Laboratory Services, Illumina
Classification: Uncertain significance for Netherton syndrome. Last evaluated: 2017-04-27. Review status: criteria provided, single submitter. Criteria: ICSL Variant Classification Criteria 13 December 2019. Collection method: clinical testing. Allele origin: germline.

PreventionGenetics, part of Exact Sciences
Classification: Likely benign for SPINK5-related condition. Last evaluated: 2022-04-06. Review status: no assertion criteria provided. Collection method: clinical testing. Allele origin: germline. Not counted in ClinVar's aggregate classification.
Comment: This variant is classified as likely benign based on ACMG/AMP sequence variant interpretation guidelines (Richards et al. 2015 PMID: 25741868, with internal and published modifications).

Genome Diagnostics Laboratory, University Medical Center Utrecht
Classification: Likely benign. Review status: no assertion criteria provided. Collection method: clinical testing. Allele origin: germline. Affected: yes. Study: VKGL Data-share Consensus. Not counted in ClinVar's aggregate classification.

Laboratory of Diagnostic Genome Analysis, Leiden University Medical Center (LUMC)
Classification: Likely benign. Review status: no assertion criteria provided. Collection method: clinical testing. Allele origin: germline. Affected: yes. Study: VKGL Data-share Consensus. Not counted in ClinVar's aggregate classification.

NM_006846.4(SPINK5):c.1451G>A (p.Arg484Lys)

Gene: SPINK5 (serine peptidase inhibitor Kazal type 5; plus strand). Cytogenetic location: 5q32.
Variant type: single nucleotide variant.
Coding change: c.1451G>A on transcript NM_006846.4 (MANE Select); coding-DNA position 1451, G replaced by A.
Protein change: p.Arg484Lys; replaces arginine 484 with lysine.
Molecular consequence: missense variant.
Genome position (GRCh38, 1-based): chr5:148,104,972, G>A. VCF-style: chr5-148104972-G-A. GRCh37 (hg19) VCF-style: chr5-147484535-G-A.
Other names: c.1451G>A, p.Arg484Lys (NM_001127698.2, NM_001127699.2); short protein forms R484K.
Identifiers: ClinVar variation 784576 (VCV000784576.44), dbSNP rs190657753, ClinGen allele CA3495618.